The following is an entry in ClinVar:

NM_001035.3(RYR2):c.10171G>A (p.Glu3391Lys)

Gene: RYR2 (ryanodine receptor 2; plus strand). Cytogenetic location: 1q43.
Variant type: single nucleotide variant.
Coding change: c.10171G>A on transcript NM_001035.3 (MANE Select); coding-DNA position 10171, G replaced by A.
Protein change: p.Glu3391Lys; replaces glutamic acid 3391 with lysine.
Molecular consequence: missense variant.
Genome position (GRCh38, 1-based): chr1:237,709,508, G>A. VCF-style: chr1-237709508-G-A. GRCh37 (hg19) VCF-style: chr1-237872808-G-A.
Other names: c.10171G>A (NM_001035.2); short protein forms E3391K.
Identifiers: ClinVar variation 1716501 (VCV001716501.7), dbSNP rs2547416271, ClinGen allele CA345411635.
Genomic context (GRCh38, chr1:237,709,508, plus strand): 5'-TGAGAAACCACTTTATTTATTATGTGATCCAGGGCAAAGTGGCTAAAGGAGCCTAACCCA[G>A]AAGCAGAGGAGCTCTTCCGCATGGTGGCTGAAGTGTTTATCTACTGGTCGAAGTCCCATG-3'
Protein context (NP_001026.2, residues 3381-3401): RAKWLKEPNP[Glu3391Lys]AEELFRMVAE

ClinVar aggregate classification (germline): Uncertain significance. Review status: criteria provided, multiple submitters, no conflicts (2 of 4 stars). 2 submissions from 2 submitters: Uncertain significance (2). Last evaluated 2024-08-20.

Conditions:
Cardiovascular phenotype. Identifiers: MedGen CN230736.
Catecholaminergic polymorphic ventricular tachycardia 1. Also called: VENTRICULAR TACHYCARDIA, CATECHOLAMINERGIC POLYMORPHIC, 1, WITH OR WITHOUT ATRIAL DYSFUNCTION AND/OR DILATED CARDIOMYOPATHY; VENTRICULAR TACHYCARDIA, STRESS-INDUCED POLYMORPHIC 1; RYR2-Related Catecholaminergic Polymorphic Ventricular Tachycardia. Identifiers: Orphanet 3286, MedGen C1631597, MONDO:0011484, OMIM 604772.

Submissions (2):

Labcorp Genetics (formerly Invitae), Labcorp
Classification: Uncertain significance for Catecholaminergic polymorphic ventricular tachycardia 1. Last evaluated: 2024-08-20. Review status: criteria provided, single submitter. Criteria: Invitae Variant Classification Sherloc (09022015). Collection method: clinical testing. Allele origin: germline.
Comment: This sequence change replaces glutamic acid, which is acidic and polar, with lysine, which is basic and polar, at codon 3391 of the RYR2 protein (p.Glu3391Lys). This variant is not present in population databases (gnomAD no frequency). This variant has not been reported in the literature in individuals affected with RYR2-related conditions. ClinVar contains an entry for this variant (Variation ID: 1716501). Invitae Evidence Modeling of protein sequence and biophysical properties (such as structural, functional, and spatial information, amino acid conservation, physicochemical variation, residue mobility, and thermodynamic stability) indicates that this missense variant is not expected to disrupt RYR2 protein function with a negative predictive value of 95%. In summary, the available evidence is currently insufficient to determine the role of this variant in disease. Therefore, it has been classified as a Variant of Uncertain Significance.

Ambry Genetics
Classification: Uncertain significance for Cardiovascular phenotype. Last evaluated: 2024-06-21. Review status: criteria provided, single submitter. Criteria: Ambry Variant Classification Scheme 2023. Collection method: clinical testing. Allele origin: germline.
Comment: The p.E3391K variant (also known as c.10171G>A), located in coding exon 70 of the RYR2 gene, results from a G to A substitution at nucleotide position 10171. The glutamic acid at codon 3391 is replaced by lysine, an amino acid with similar properties. This amino acid position is well conserved in available vertebrate species. In addition, this alteration is predicted to be tolerated by in silico analysis. Based on the available evidence, the clinical significance of this variant remains unclear.